The following is an entry in ClinVar:

NM_001077365.2(POMT1):c.699+46C>T

Gene: POMT1 (protein O-mannosyltransferase 1; plus strand). Cytogenetic location: 9q34.13.
Variant type: single nucleotide variant.
Coding change: c.699+46C>T on transcript NM_001077365.2 (MANE Select); 46 bases into the intron after coding-DNA position 699, C replaced by T.
Molecular consequence: intron variant. On other transcripts: nonsense (7), non-coding transcript variant (1).
Genome position (GRCh38, 1-based): chr9:131,510,042, C>T. VCF-style: chr9-131510042-C-T. GRCh37 (hg19) VCF-style: chr9-134385429-C-T.
Other names: c.745C>T, p.Gln249Ter (NM_001353193.2, NM_007171.4); c.583C>T, p.Gln195Ter (NM_001353197.2, NM_001353198.2, NM_001374689.1); c.394C>T, p.Gln132Ter (NM_001353199.2); c.289C>T, p.Gln97Ter (NM_001374695.1); c.699+46C>T (NM_001136113.2, NM_001374690.1); c.537+46C>T (NM_001353194.2, NM_001077366.2, NM_001374693.1); c.348+46C>T (NM_001374691.1, NM_001353195.2, NM_001374692.1 and 1 more transcripts); c.609+46C>T (NM_001353196.2); and 2 more; short protein forms Q132*, Q249*, Q195*, Q97*.
Identifiers: ClinVar variation 4785746 (VCV004785746.1).

ClinVar aggregate classification (germline): Pathogenic (1 of 4 stars; one submission).

Conditions:
Walker-Warburg congenital muscular dystrophy. Also called: Muscular dystrophy-dystroglycanopathy, type A; Walker-Warburg syndrome. Identifiers: Orphanet 899, MedGen C0265221, MONDO:0000171.
Muscular dystrophy-dystroglycanopathy (congenital with impaired intellectual development), type B, 1. Also called: MUSCULAR DYSTROPHY, CONGENITAL, POMT1-RELATED; Muscular dystrophy-dystroglycanopathy (congenital with intellectual disability), type B1. Identifiers: MedGen C5436962, MONDO:0013159, OMIM 613155.
Autosomal recessive limb-girdle muscular dystrophy type 2K. Also called: MUSCULAR DYSTROPHY-DYSTROGLYCANOPATHY (LIMB-GIRDLE), TYPE C, 1; MUSCULAR DYSTROPHY, LIMB-GIRDLE, TYPE 2K. Identifiers: Orphanet 86812, MedGen C1836373, MONDO:0012248, OMIM 609308.

gnomAD v4.1: 4 of 1,614,098 alleles (0.00025%); highest among the groups gnomAD compares: Non-Finnish European, 0.00034%; no homozygotes.

Submission:

Labcorp Genetics (formerly Invitae), Labcorp
Classification: Pathogenic for Muscular dystrophy-dystroglycanopathy (congenital with impaired intellectual development), type B, 1; Walker-Warburg congenital muscular dystrophy; Autosomal recessive limb-girdle muscular dystrophy type 2K. Last evaluated: 2025-09-24. Review status: criteria provided, single submitter. Criteria: Invitae Variant Classification Sherloc (09022015). Collection method: clinical testing. Allele origin: germline.
Comment: This sequence change creates a premature translational stop signal (p.Gln249*) in the POMT1 gene. It is expected to result in an absent or disrupted protein product. Loss-of-function variants in POMT1 are known to be pathogenic (PMID: 12369018, 15637732, 16575835). This variant is not present in population databases (gnomAD no frequency). This variant has not been reported in the literature in individuals affected with POMT1-related conditions. For these reasons, this variant has been classified as Pathogenic.

Literature cited by the submitters: PubMed 12369018; PubMed 15637732; PubMed 16575835.